The following is an entry in ClinVar:

NM_001271.4(CHD2):c.5228G>A (p.Arg1743Gln)

Gene: CHD2 (chromodomain helicase DNA binding protein 2; plus strand). Cytogenetic location: 15q26.1.
Variant type: single nucleotide variant.
Coding change: c.5228G>A on transcript NM_001271.4 (MANE Select); coding-DNA position 5228, G replaced by A.
Protein change: p.Arg1743Gln; replaces arginine 1743 with glutamine.
Molecular consequence: missense variant.
Genome position (GRCh38, 1-based): chr15:93,024,446, G>A. VCF-style: chr15-93024446-G-A. GRCh37 (hg19) VCF-style: chr15-93567676-G-A.
Other names: short protein forms R1743Q.
Identifiers: ClinVar variation 724018 (VCV000724018.8), dbSNP rs1230076038, ClinGen allele CA393908341.

ClinVar aggregate classification (germline): Conflicting classifications of pathogenicity. Review status: criteria provided, conflicting classifications (1 of 4 stars). 2 submissions from 2 submitters: Uncertain significance (1); Likely benign (1). Last evaluated 2024-03-17.

Conditions:
Developmental and epileptic encephalopathy 94 (DEE94). Also called: Epileptic encephalopathy, childhood-onset; CHD2-Related Neurodevelopmental Disorders. Identifiers: Orphanet 1942, Orphanet 2382, MedGen C3809278, MONDO:0014150, OMIM 615369.

Allele frequency attached by ClinVar (database versions not stated): gnomAD exomes below 0.00001.
gnomAD v4.1: 4 of 1,614,158 alleles (0.00025%); highest among the groups gnomAD compares: Admixed American, 0.0017%; no homozygotes.

Submissions (2):

Labcorp Genetics (formerly Invitae), Labcorp
Classification: Likely benign for Developmental and epileptic encephalopathy 94. Last evaluated: 2024-03-17. Review status: criteria provided, single submitter. Criteria: Invitae Variant Classification Sherloc (09022015). Collection method: clinical testing. Allele origin: germline.

GeneDx
Classification: Uncertain significance. Last evaluated: 2023-08-31. Review status: criteria provided, single submitter. Criteria: GeneDx Variant Classification Process June 2021. Collection method: clinical testing. Allele origin: germline.
Comment: In silico analysis supports that this missense variant does not alter protein structure/function; Has not been previously published as pathogenic or benign to our knowledge